The following is an entry in ClinVar:

NM_181675.4(PPP2R2B):c.524A>T (p.His175Leu)

Gene: PPP2R2B (protein phosphatase 2 regulatory subunit Bbeta; minus strand). Cytogenetic location: 5q32.
Variant type: single nucleotide variant.
Coding change: c.524A>T on transcript NM_181675.4 (MANE Select); coding-DNA position 524, A replaced by T.
Protein change: p.His175Leu; replaces histidine 175 with leucine.
Molecular consequence: missense variant.
Genome position (GRCh38, 1-based): chr5:146,650,648, T>A on the plus strand (A>T on the coding strand, the complement: PPP2R2B is on the minus strand). VCF-style: chr5-146650648-T-A. GRCh37 (hg19) VCF-style: chr5-146030211-T-A.
Other names: c.542A>T, p.His181Leu (NM_001271899.1); c.698A>T, p.His233Leu (NM_001271900.2); c.491A>T, p.His164Leu (NM_001271948.2, NM_181678.2); c.524A>T, p.His175Leu (NM_001428277.1, NM_001428279.1); c.722A>T, p.His241Leu (NM_181674.3); c.533A>T, p.His178Leu (NM_181676.3); c.464A>T, p.His155Leu (NM_181677.2); short protein forms H155L, H164L, H175L, H178L, H181L, H233L, H241L.
Identifiers: ClinVar variation 5037363 (VCV005037363.1).

ClinVar aggregate classification (germline): Uncertain significance (1 of 4 stars; one submission).

Submission:

GeneDx
Classification: Uncertain significance. Last evaluated: 2026-04-21. Review status: criteria provided, single submitter. Criteria: GeneDx Variant Classification Process June 2021. Collection method: clinical testing. Allele origin: germline.
Comment: Not observed at significant frequency in large population cohorts (gnomAD); In silico analysis supports that this missense variant has a deleterious effect on protein structure/function; Has not been previously published as pathogenic or benign to our knowledge.